The following is an entry in ClinVar:

ClinVar aggregate classification (germline): Uncertain significance (1 of 4 stars; one submission).

Submission:

Labcorp Genetics (formerly Invitae), Labcorp
Classification: Uncertain significance. Last evaluated: 2022-03-22. Review status: criteria provided, single submitter. Criteria: Invitae Variant Classification Sherloc (09022015). Collection method: clinical testing. Allele origin: germline.
Comment: In summary, the available evidence is currently insufficient to determine the role of this variant in disease. Therefore, it has been classified as a Variant of Uncertain Significance. Advanced modeling of protein sequence and biophysical properties (such as structural, functional, and spatial information, amino acid conservation, physicochemical variation, residue mobility, and thermodynamic stability) performed at Invitae indicates that this missense variant is not expected to disrupt CACNA1B protein function. This variant has not been reported in the literature in individuals affected with CACNA1B-related conditions. This variant is not present in population databases (gnomAD no frequency). This sequence change replaces arginine, which is basic and polar, with serine, which is neutral and polar, at codon 2293 of the CACNA1B protein (p.Arg2293Ser).

NM_000718.4(CACNA1B):c.6879G>T (p.Arg2293Ser)

Gene: CACNA1B (calcium voltage-gated channel subunit alpha1 B; plus strand). Cytogenetic location: 9q34.3.
Variant type: single nucleotide variant.
Coding change: c.6879G>T on transcript NM_000718.4 (MANE Select); coding-DNA position 6879, G replaced by T.
Protein change: p.Arg2293Ser; replaces arginine 2293 with serine.
Molecular consequence: missense variant.
Genome position (GRCh38, 1-based): chr9:138,121,858, G>T. VCF-style: chr9-138121858-G-T. GRCh37 (hg19) VCF-style: chr9-141016310-G-T.
Other names: c.6692G>T, p.Gly2231Val (NM_001243812.2); short protein forms R2293S, G2231V.
Identifiers: ClinVar variation 1488582 (VCV001488582.6), dbSNP rs2131375992, ClinGen allele CA375825095.
Genomic context (GRCh38, chr9:138,121,858, plus strand): 5'-GCCTGAGGACACTCTCACTTTCGAGGAGGCTGTGGCCACCAACTCGGGCCGCTCCTCCAG[G>T]ACTTCCTACGTGTCCTCCCTGACCTCCCAGTCTCACCCTCTCCGCCGCGTGCCCAACGGT-3'
Protein context (NP_000709.1, residues 2283-2303): AVATNSGRSS[Arg2293Ser]TSYVSSLTSQ